The following is an entry in ClinVar:

NM_000875.5(IGF1R):c.94+14C>T

Genes: IGF1R (insulin like growth factor 1 receptor; plus strand), IRAIN (IGF1R antisense imprinted non-protein coding RNA; minus strand). Cytogenetic location: 15q26.3.
Variant type: single nucleotide variant.
Coding change: c.94+14C>T on transcript NM_000875.5 (MANE Select); 14 bases into the intron after coding-DNA position 94, C replaced by T.
Molecular consequence: intron variant. On other transcripts: non-coding transcript variant (1).
Genome position (GRCh38, 1-based): chr15:98,649,689, C>T. VCF-style: chr15-98649689-C-T. GRCh37 (hg19) VCF-style: chr15-99192918-C-T.
Other names: c.94+14C>T (NM_001291858.2).
Identifiers: ClinVar variation 317439 (VCV000317439.13), dbSNP rs35275105, ClinGen allele CA7751723.
Genomic context (GRCh38, chr15:98,649,689, plus strand): 5'-CCTGTTTCTCTCCGCCGCGCTCTCGCTCTGGCCGACGAGTGGAGAAAGTGAGTATGTGCC[C>T]GCCGCCCGCGGCCACTGCGGGAACTTTTCCTCCGAGGGGCTGCGCCCTGTTTGCGAAACC-3'

ClinVar aggregate classification (germline): Benign. Review status: criteria provided, multiple submitters, no conflicts (2 of 4 stars). 3 submissions from 3 submitters: Benign (3). Last evaluated 2026-05-12.

Conditions:
Growth delay due to insulin-like growth factor I resistance. Also called: Somatomedin end-organ insensitivity to; Somatomedin-c resistance to; IGF-1 resistance; IGF-I RESISTANCE; Insulin-Like Growth Factor I Resistance. Identifiers: Orphanet 73273, MedGen C1849157, MONDO:0010038, OMIM 270450.

Allele frequency attached by ClinVar (database versions not stated): gnomAD exomes 0.00231; ExAC 0.00296; 1000 Genomes Project 0.00859; gnomAD 0.01058 and 0.00980; TOPMed 0.01079; 1000 Genomes Project 30x 0.00968; ESP Exome Variant Server 0.01302.
gnomAD v4.1: 2,735 of 1,593,810 alleles (0.17%); highest among the groups gnomAD compares: African/African-American, 3.3%; 31 homozygotes.

Submissions (3):

Women's Health and Genetics/Laboratory Corporation of America, LabCorp
Classification: Benign. Last evaluated: 2026-05-12. Review status: criteria provided, single submitter. Criteria: LabCorp Variant Classification Summary - May 2015. Collection method: clinical testing. Allele origin: germline.

Labcorp Genetics (formerly Invitae), Labcorp
Classification: Benign. Last evaluated: 2026-02-03. Review status: criteria provided, single submitter. Criteria: Invitae Variant Classification Sherloc (09022015). Collection method: clinical testing. Allele origin: germline.

Illumina Laboratory Services, Illumina
Classification: Benign for Growth delay due to insulin-like growth factor I resistance. Last evaluated: 2018-01-13. Review status: criteria provided, single submitter. Criteria: ICSL Variant Classification Criteria 13 December 2019. Collection method: clinical testing. Allele origin: germline.
Comment: This variant was observed in the ICSL laboratory as part of a predisposition screen in an ostensibly healthy population. It had not been previously curated by ICSL or reported in the Human Gene Mutation Database (HGMD: prior to June 1st, 2018), and was therefore a candidate for classification through an automated scoring system. Utilizing variant allele frequency, disease prevalence and penetrance estimates, and inheritance mode, an automated score was calculated to assess if this variant is too frequent to cause the disease. Based on the score and internal cut-off values, a variant classified as benign is not then subjected to further curation. The score for this variant resulted in a classification of benign for this disease.